The following is an entry in ClinVar:

NM_201548.5(CERKL):c.1366-2A>C

Gene: CERKL (CERK like autophagy regulator; minus strand). Cytogenetic location: 2q31.3.
Variant type: single nucleotide variant.
Coding change: c.1366-2A>C on transcript NM_201548.5 (MANE Select); the canonical splice acceptor site of the intron before coding-DNA position 1366, A replaced by C.
Molecular consequence: splice acceptor variant.
Genome position (GRCh38, 1-based): chr2:181,539,266, T>G on the plus strand (A>C on the coding strand, the complement: CERKL is on the minus strand). VCF-style: chr2-181539266-T-G. GRCh37 (hg19) VCF-style: chr2-182403993-T-G.
Other names: c.1027-2A>C (NM_001030312.3); c.1312-2A>C (NM_001160277.2); c.1159-2A>C (NM_001030313.3); c.1444-2A>C (NM_001030311.3).
Identifiers: ClinVar variation 4814536 (VCV004814536.1).

ClinVar aggregate classification (germline): Likely pathogenic (1 of 4 stars; one submission).

Conditions:
Retinitis pigmentosa 26 (RP26). Identifiers: Orphanet 791, MedGen C1842127, MONDO:0012024, OMIM 608380.

Submission:

Natera, Inc.
Classification: Likely pathogenic for Retinitis Pigmentosa 26. Last evaluated: 2024-05-25. Review status: criteria provided, single submitter. Criteria: Natera Variant Classification Schema (03/2026). Collection method: clinical testing. Allele origin: germline.
Comment: The c.1444-2A>C variant in CERKL is a canonical splice acceptor site variant predicted to affect pre-mRNA splicing, which may result in an abnormal transcript and altered protein product. This variant is expected to result in nonsense mediated decay, truncation, or a dysfunctional protein product. This variant is rare in the general population with a frequency below the threshold expected for the associated phenotype(s). Given the available evidence, this variant is classified as Likely Pathogenic.